The following is an entry in ClinVar:

ClinVar aggregate classification (germline): Uncertain significance (1 of 4 stars; one submission).

gnomAD v4.1: 1 of 1,613,842 alleles (0.000062%); highest among the groups gnomAD compares: Admixed American, 0.0017%; no homozygotes.

Submission:

Labcorp Genetics (formerly Invitae), Labcorp
Classification: Uncertain significance. Last evaluated: 2024-09-15. Review status: criteria provided, single submitter. Criteria: Invitae Variant Classification Sherloc (09022015). Collection method: clinical testing. Allele origin: germline.
Comment: This sequence change replaces leucine, which is neutral and non-polar, with valine, which is neutral and non-polar, at codon 370 of the ESRRB protein (p.Leu370Val). This variant is present in population databases (no rsID available, gnomAD 0.003%). This variant has not been reported in the literature in individuals affected with ESRRB-related conditions. An algorithm developed to predict the effect of missense changes on protein structure and function (PolyPhen-2) suggests that this variant is likely to be disruptive. In summary, the available evidence is currently insufficient to determine the role of this variant in disease. Therefore, it has been classified as a Variant of Uncertain Significance.

NM_001379180.1(ESRRB):c.1171C>G (p.Leu391Val)

Gene: ESRRB (estrogen related receptor beta; plus strand). Cytogenetic location: 14q24.3.
Variant type: single nucleotide variant.
Coding change: c.1171C>G on transcript NM_001379180.1 (MANE Select); coding-DNA position 1171, C replaced by G.
Protein change: p.Leu391Val; replaces leucine 391 with valine.
Molecular consequence: missense variant.
Genome position (GRCh38, 1-based): chr14:76,498,264, C>G. VCF-style: chr14-76498264-C-G. GRCh37 (hg19) VCF-style: chr14-76964607-C-G.
Other names: c.1123C>G, p.Leu375Val (NM_001411038.1); c.1108C>G, p.Leu370Val (NM_004452.4); short protein forms L391V, L370V, L375V.
Identifiers: ClinVar variation 3680959 (VCV003680959.2).